The following is an entry in ClinVar:

NM_001042492.3(NF1):c.6125A>G (p.Asn2042Ser)

Gene: NF1 (neurofibromin 1; plus strand). Cytogenetic location: 17q11.2.
Variant type: single nucleotide variant.
Coding change: c.6125A>G on transcript NM_001042492.3 (MANE Select); coding-DNA position 6125, A replaced by G.
Protein change: p.Asn2042Ser; replaces asparagine 2042 with serine.
Molecular consequence: missense variant.
Genome position (GRCh38, 1-based): chr17:31,336,451, A>G. VCF-style: chr17-31336451-A-G. GRCh37 (hg19) VCF-style: chr17-29663469-A-G.
Other names: c.6062A>G, p.Asn2021Ser (NM_000267.4); short protein forms N2021S, N2042S.
Identifiers: ClinVar variation 3634582 (VCV003634582.2).

ClinVar aggregate classification (germline): Uncertain significance (1 of 4 stars; one submission).

Conditions:
Neurofibromatosis, type 1 (NF1). Also called: VON RECKLINGHAUSEN DISEASE; Peripheral type neurofibromatosis; NEUROFIBROMATOSIS, TYPE I, SOMATIC; Neurofibromatosis, type I. Identifiers: Orphanet 636, MedGen C0027831, MONDO:0018975, OMIM 162200. Disease mechanism: loss of function.

Submission:

Labcorp Genetics (formerly Invitae), Labcorp
Classification: Uncertain significance for Neurofibromatosis, type 1. Last evaluated: 2024-02-24. Review status: criteria provided, single submitter. Criteria: Invitae Variant Classification Sherloc (09022015). Collection method: clinical testing. Allele origin: germline.
Comment: This sequence change replaces asparagine, which is neutral and polar, with serine, which is neutral and polar, at codon 2021 of the NF1 protein (p.Asn2021Ser). This variant is not present in population databases (gnomAD no frequency). This variant has not been reported in the literature in individuals affected with NF1-related conditions. Advanced modeling of protein sequence and biophysical properties (such as structural, functional, and spatial information, amino acid conservation, physicochemical variation, residue mobility, and thermodynamic stability) performed at Invitae indicates that this missense variant is expected to disrupt NF1 protein function with a positive predictive value of 95%. In summary, the available evidence is currently insufficient to determine the role of this variant in disease. Therefore, it has been classified as a Variant of Uncertain Significance.